The following is an entry in ClinVar:

ClinVar aggregate classification (germline): Uncertain significance (1 of 4 stars; one submission).

Conditions:
Duchenne muscular dystrophy (DMD). Also called: MUSCULAR DYSTROPHY, PSEUDOHYPERTROPHIC PROGRESSIVE, DUCHENNE TYPE; Duchenne Muscular Dystrophy (DMD). Identifiers: Orphanet 98896, MedGen C0013264, MONDO:0010679, OMIM 310200.

Submission:

Labcorp Genetics (formerly Invitae), Labcorp
Classification: Uncertain significance for Duchenne muscular dystrophy. Last evaluated: 2023-09-03. Review status: criteria provided, single submitter. Criteria: Invitae Variant Classification Sherloc (09022015). Collection method: clinical testing. Allele origin: germline.
Comment: This sequence change replaces asparagine, which is neutral and polar, with threonine, which is neutral and polar, at codon 1672 of the DMD protein (p.Asn1672Thr). This variant is not present in population databases (gnomAD no frequency). This variant has not been reported in the literature in individuals affected with DMD-related conditions. Advanced modeling of protein sequence and biophysical properties (such as structural, functional, and spatial information, amino acid conservation, physicochemical variation, residue mobility, and thermodynamic stability) performed at Invitae indicates that this missense variant is not expected to disrupt DMD protein function. In summary, the available evidence is currently insufficient to determine the role of this variant in disease. Therefore, it has been classified as a Variant of Uncertain Significance.

NM_004006.3(DMD):c.5015A>C (p.Asn1672Thr)

Gene: DMD (dystrophin; minus strand). Cytogenetic location: Xp21.1.
Variant type: single nucleotide variant.
Coding change: c.5015A>C on transcript NM_004006.3 (MANE Select); coding-DNA position 5015, A replaced by C.
Protein change: p.Asn1672Thr; replaces asparagine 1672 with threonine.
Molecular consequence: missense variant.
Genome position (GRCh38, 1-based): chrX:32,365,030, T>G on the plus strand (A>C on the coding strand, the complement: DMD is on the minus strand). VCF-style: chrX-32365030-T-G. GRCh37 (hg19) VCF-style: chrX-32383147-T-G.
Other names: c.4991A>C, p.Asn1664Thr (NM_000109.4); c.5003A>C, p.Asn1668Thr (NM_004009.3); c.4646A>C, p.Asn1549Thr (NM_004010.3); c.992A>C, p.Asn331Thr (NM_004011.4); c.983A>C, p.Asn328Thr (NM_004012.4); short protein forms N1664T, N331T, N1668T, N1672T, N328T, N1549T.
Identifiers: ClinVar variation 2742494 (VCV002742494.3), dbSNP rs2522566199, ClinGen allele CA412671764.
Genomic context (GRCh38, chrX:32,365,030, plus strand): 5'-TTTTTCTCGTGACAGAGAAGGGTGTAAAAGCTTCTAGCCTTTTCTCTTACCAACAAAAGA[T>G]TTAACCACTCTTCTGCTCGGGAGGTGACAGCTATCCAGTTACTATTCAGAAGACTGAGTT-3'
Protein context (NP_003997.2, residues 1662-1682): AVTSRAEEWL[Asn1672Thr]LLLEYQKHME